The following is an entry in ClinVar:

ClinVar aggregate classification (germline): Uncertain significance (1 of 4 stars; one submission).

Conditions:
Early Myoclonic Encephalopathy. Identifiers: MedGen C0270855.

Allele frequency attached by ClinVar (database versions not stated): TOPMed below 0.00001; gnomAD 0.00001.
gnomAD v4.1: 2 of 1,613,046 alleles (0.00012%); highest among the groups gnomAD compares: Admixed American, 0.0033%; no homozygotes.

Submission:

Labcorp Genetics (formerly Invitae), Labcorp
Classification: Uncertain significance for Early Myoclonic Encephalopathy. Last evaluated: 2024-01-24. Review status: criteria provided, single submitter. Criteria: Invitae Variant Classification Sherloc (09022015). Collection method: clinical testing. Allele origin: germline.
Comment: This sequence change replaces lysine, which is basic and polar, with asparagine, which is neutral and polar, at codon 1878 of the JMJD1C protein (p.Lys1878Asn). This variant is not present in population databases (gnomAD no frequency). This variant has not been reported in the literature in individuals affected with JMJD1C-related conditions. ClinVar contains an entry for this variant (Variation ID: 1498973). Advanced modeling of protein sequence and biophysical properties (such as structural, functional, and spatial information, amino acid conservation, physicochemical variation, residue mobility, and thermodynamic stability) has been performed at Invitae for this missense variant, however the output from this modeling did not meet the statistical confidence thresholds required to predict the impact of this variant on JMJD1C protein function. In summary, the available evidence is currently insufficient to determine the role of this variant in disease. Therefore, it has been classified as a Variant of Uncertain Significance.

NM_032776.3(JMJD1C):c.5634G>T (p.Lys1878Asn)

Gene: JMJD1C (jumonji domain containing 1C; minus strand). Cytogenetic location: 10q21.3.
Variant type: single nucleotide variant.
Coding change: c.5634G>T on transcript NM_032776.3 (MANE Select); coding-DNA position 5634, G replaced by T.
Protein change: p.Lys1878Asn; replaces lysine 1878 with asparagine.
Molecular consequence: missense variant. On other transcripts: non-coding transcript variant (1).
Genome position (GRCh38, 1-based): chr10:63,197,421, C>A on the plus strand (G>T on the coding strand, the complement: JMJD1C is on the minus strand). VCF-style: chr10-63197421-C-A. GRCh37 (hg19) VCF-style: chr10-64957181-C-A.
Other names: c.5088G>T, p.Lys1696Asn (NM_001282948.2, NM_001318154.2); c.4770G>T, p.Lys1590Asn (NM_001318153.2); c.5520G>T, p.Lys1840Asn (NM_001322252.2); c.4977G>T, p.Lys1659Asn (NM_001322254.2, NM_001322258.2); short protein forms K1590N, K1840N, K1878N, K1659N, K1696N.
Identifiers: ClinVar variation 1498973 (VCV001498973.6), dbSNP rs1333266156, ClinGen allele CA377029349.
Genomic context (GRCh38, chr10:63,197,421, plus strand): 5'-CTAAAGAAAAATTATAAAAAACTTCAATTTATATAAACTTATACACCAACCTCTAGAACT[C>A]TTCCTTTCCTTTGCCTTGTAACAATCTAAGCAGACCACAAATCCACATTTTTGGCAGACC-3'
Protein context (NP_116165.1, residues 1868-1888): CLDCYKAKER[Lys1878Asn]SSRDKELYAW